The following is an entry in ClinVar:

NM_000038.6(APC):c.5811C>G (p.Ser1937=)

Gene: APC (APC regulator of Wnt signaling pathway; plus strand). Cytogenetic location: 5q22.2.
Variant type: single nucleotide variant.
Coding change: c.5811C>G on transcript NM_000038.6 (MANE Select); coding-DNA position 5811, C replaced by G.
Protein change: p.Ser1937=; no amino-acid change (serine 1937 retained).
Molecular consequence: synonymous variant.
Genome position (GRCh38, 1-based): chr5:112,841,405, C>G. VCF-style: chr5-112841405-C-G. GRCh37 (hg19) VCF-style: chr5-112177102-C-G.
Other names: c.5811C>G, p.Ser1937= (NM_001127510.3, NM_001354895.2); c.5757C>G, p.Ser1919= (NM_001127511.3); c.5865C>G, p.Ser1955= (NM_001354896.2); c.5841C>G, p.Ser1947= (NM_001354897.2); c.5736C>G, p.Ser1912= (NM_001354898.2); c.5727C>G, p.Ser1909= (NM_001354899.2); c.5688C>G, p.Ser1896= (NM_001354900.2); c.5634C>G, p.Ser1878= (NM_001354901.2); and 5 more.
Identifiers: ClinVar variation 1124031 (VCV001124031.13), dbSNP rs2149949820, ClinGen allele CA446209815.

ClinVar aggregate classification (germline): Benign/Likely benign. Review status: criteria provided, multiple submitters, no conflicts (2 of 4 stars). 3 submissions from 3 submitters: Benign (1); Likely benign (2). Last evaluated 2024-04-02.

Conditions:
Hereditary cancer-predisposing syndrome. Also called: Hereditary neoplastic syndrome; Neoplastic Syndromes, Hereditary; Tumor predisposition; Hereditary Cancer Syndrome. Identifiers: Orphanet 140162, MedGen C0027672, MeSH D009386, MONDO:0015356.
Familial adenomatous polyposis 1 (FAP1). Also called: POLYPOSIS, ADENOMATOUS INTESTINAL; FAMILIAL ADENOMATOUS POLYPOSIS 1, ATTENUATED. Identifiers: MedGen C2713442, MONDO:0021056, OMIM 175100. Disease mechanism: loss of function.

Submissions (3):

Myriad Genetics, Inc.
Classification: Benign for Familial adenomatous polyposis 1. Last evaluated: 2024-04-02. Review status: criteria provided, single submitter. Criteria: Myriad Autosomal Dominant, Autosomal Recessive and X-Linked Classification Criteria (2023). Collection method: clinical testing. Allele origin: unknown.
Comment: This variant is considered benign. This variant is a silent/synonymous amino acid change and it is not expected to impact splicing.

Ambry Genetics
Classification: Likely benign for Hereditary cancer-predisposing syndrome. Last evaluated: 2022-05-31. Review status: criteria provided, single submitter. Criteria: Ambry Variant Classification Scheme 2023. Collection method: clinical testing. Allele origin: germline.

Labcorp Genetics (formerly Invitae), Labcorp
Classification: Likely benign for Familial adenomatous polyposis 1. Last evaluated: 2019-12-27. Review status: criteria provided, single submitter. Criteria: Invitae Variant Classification Sherloc (09022015). Collection method: clinical testing. Allele origin: germline.